The following is an entry in ClinVar:

NM_019597.5(HNRNPH2):c.498G>A (p.Glu166=)

Genes: HNRNPH2 (heterogeneous nuclear ribonucleoprotein H2; plus strand), RPL36A-HNRNPH2 (RPL36A-HNRNPH2 readthrough; plus strand). Cytogenetic location: Xq22.1.
Variant type: single nucleotide variant.
Coding change: c.498G>A on transcript NM_019597.5 (MANE Select); coding-DNA position 498, G replaced by A.
Protein change: p.Glu166=; no amino-acid change (glutamic acid 166 retained).
Molecular consequence: synonymous variant. On other transcripts: 3 prime UTR variant (2).
Genome position (GRCh38, 1-based): chrX:101,412,486, G>A. VCF-style: chrX-101412486-G-A. GRCh37 (hg19) VCF-style: chrX-100667474-G-A.
Other names: c.*494G>A (NM_001199973.2, NM_001199974.2); c.498G>A, p.Glu166= (NM_001032393.3).
Identifiers: ClinVar variation 5039864 (VCV005039864.1).
Genomic context (GRCh38, chrX:101,412,486, plus strand): 5'-CTTTCAGGGGCGAAGCACAGGGGAAGCCTTTGTGCAGTTTGCTTCACAGGAGATAGCTGA[G>A]AAGGCCTTAAAGAAACACAAGGAAAGAATAGGGCACAGGTACATTGAGATCTTCAAGAGT-3'
Protein context (NP_062543.1, residues 156-176): FVQFASQEIA[Glu166=]KALKKHKERI

ClinVar aggregate classification (germline): Likely benign (1 of 4 stars; one submission).

Submission:

CeGaT Center for Human Genetics Tuebingen
Classification: Likely benign. Last evaluated: 2026-08-01. Review status: criteria provided, single submitter. Criteria: CeGaT Center For Human Genetics Tuebingen Variant Classification Criteria Version 2. Collection method: clinical testing. Allele origin: germline. Affected: yes. Observed: 1 variant allele.
Comment: HNRNPH2: PM2:Supporting, BP4, BP7